The following is an entry in ClinVar:

ClinVar aggregate classification (germline): Benign. Review status: criteria provided, multiple submitters, no conflicts (2 of 4 stars). 10 submissions from 10 submitters: Benign (10). Last evaluated 2026-02-03.

Conditions:
Primary ciliary dyskinesia 13. Also called: CILIARY DYSKINESIA, PRIMARY, 13, WITH OR WITHOUT SITUS INVERSUS. Identifiers: Orphanet 244, MedGen C2750790, MONDO:0013174, OMIM 613193.
Primary ciliary dyskinesia. Also called: Ciliary dyskinesia. Identifiers: Orphanet 244, MedGen C0008780, MONDO:0016575, HP:0012265.

Allele frequency attached by ClinVar (database versions not stated): gnomAD 0.05873; 1000 Genomes Project 0.06589; TOPMed 0.06940; 1000 Genomes Project 30x 0.06980; ESP Exome Variant Server 0.07308.
gnomAD v4.1: 56,085 of 1,613,912 alleles (3.5%); highest among the groups gnomAD compares: African/African-American, 16%; 1,829 homozygotes.

Submissions (10):

Labcorp Genetics (formerly Invitae), Labcorp
Classification: Benign for Primary ciliary dyskinesia. Last evaluated: 2026-02-03. Review status: criteria provided, single submitter. Criteria: Invitae Variant Classification Sherloc (09022015). Collection method: clinical testing. Allele origin: germline.

ARUP Laboratories, Molecular Genetics and Genomics, ARUP Laboratories
Classification: Benign for Primary ciliary dyskinesia 13. Last evaluated: 2025-05-09. Review status: criteria provided, single submitter. Criteria: ARUP Molecular Germline Variant Investigation Process 2024. Collection method: clinical testing. Allele origin: germline.

Blueprint Genetics
Classification: Benign. Last evaluated: 2024-11-27. Review status: criteria provided, single submitter. Criteria: ACMG Guidelines, 2015. Collection method: clinical testing. Allele origin: germline.

Mayo Clinic Laboratories, Mayo Clinic
Classification: Benign. Last evaluated: 2023-06-29. Review status: criteria provided, single submitter. Criteria: ACMG Guidelines, 2015. Collection method: clinical testing. Allele origin: germline. Observed: 15 variant alleles.
Comment: BA1

GeneDx
Classification: Benign. Last evaluated: 2019-03-25. Review status: criteria provided, single submitter. Criteria: GeneDx Variant Classification Process June 2021. Collection method: clinical testing. Allele origin: germline. Affected: yes.
Comment: This variant is associated with the following publications: (PMID: 31213628)

Illumina Laboratory Services, Illumina
Classification: Benign for Primary ciliary dyskinesia 13. Last evaluated: 2018-01-12. Review status: criteria provided, single submitter. Criteria: ICSL Variant Classification Criteria 13 December 2019. Collection method: clinical testing. Allele origin: germline.
Comment: This variant was observed in the ICSL laboratory as part of a predisposition screen in an ostensibly healthy population. It had not been previously curated by ICSL or reported in the Human Gene Mutation Database (HGMD: prior to June 1st, 2018), and was therefore a candidate for classification through an automated scoring system. Utilizing variant allele frequency, disease prevalence and penetrance estimates, and inheritance mode, an automated score was calculated to assess if this variant is too frequent to cause the disease. Based on the score and internal cut-off values, a variant classified as benign is not then subjected to further curation. The score for this variant resulted in a classification of benign for this disease.

Laboratory for Molecular Medicine, Mass General Brigham Personalized Medicine
Classification: Benign. Last evaluated: 2015-05-05. Review status: criteria provided, single submitter. Criteria: LMM Criteria. Collection method: clinical testing. Allele origin: germline. Observed: 8 variant alleles.
Comment: p.Asp387Glu in exon 8 of DNAAF1: This variant is not expected to have clinical s ignificance because it has been identified in 16.3% (1690/10388) of African chro mosomes by the Exome Aggregation Consortium (ExAC, g; dbSNP rs36062234).

Ambry Genetics
Classification: Benign for Primary ciliary dyskinesia. Last evaluated: 2014-12-28. Review status: criteria provided, single submitter. Criteria: Ambry Variant Classification Scheme 2023. Collection method: clinical testing. Allele origin: germline.

Breakthrough Genomics
Classification: Benign. Review status: criteria provided, single submitter. Criteria: ACMG Guidelines, 2015. Collection method: not provided. Allele origin: germline. Inheritance: Autosomal recessive inheritance. Affected: yes.

PreventionGenetics, part of Exact Sciences
Classification: Benign. Review status: criteria provided, single submitter. Criteria: ACMG Guidelines, 2015. Collection method: clinical testing. Allele origin: germline.

NM_178452.6(DNAAF1):c.1161C>G (p.Asp387Glu)

Gene: DNAAF1 (dynein axonemal assembly factor 1; plus strand). Cytogenetic location: 16q24.1.
Variant type: single nucleotide variant.
Coding change: c.1161C>G on transcript NM_178452.6 (MANE Select); coding-DNA position 1161, C replaced by G.
Protein change: p.Asp387Glu; replaces aspartic acid 387 with glutamic acid.
Molecular consequence: missense variant.
Genome position (GRCh38, 1-based): chr16:84,169,989, C>G. VCF-style: chr16-84169989-C-G. GRCh37 (hg19) VCF-style: chr16-84203595-C-G.
Other names: c.453C>G, p.Asp151Glu (NM_001318756.1); short protein forms D387E, D151E.
Identifiers: ClinVar variation 226571 (VCV000226571.32), dbSNP rs36062234, ClinGen allele CA8202775.
Genomic context (GRCh38, chr16:84,169,989, plus strand): 5'-GGACAGAGAAACAAGGCAGAAGATGGAGCTATTTGTTAAGGAAAGCTTTGAGGCCAAGGA[C>G]GAGCTCTGCCCGGAAAAGCCAAGTGGAGAGGAGCCGCCTGTGGAGGCTAAAAGAGAGGAT-3'
Protein context (NP_848547.4, residues 377-397): LFVKESFEAK[Asp387Glu]ELCPEKPSGE